The following is an entry in ClinVar:

NM_004329.3(BMPR1A):c.839C>T (p.Thr280Ile)

Gene: BMPR1A (bone morphogenetic protein receptor type 1A; plus strand). Cytogenetic location: 10q23.2.
Variant type: single nucleotide variant.
Coding change: c.839C>T on transcript NM_004329.3 (MANE Select); coding-DNA position 839, C replaced by T.
Protein change: p.Thr280Ile; replaces threonine 280 with isoleucine.
Molecular consequence: missense variant. On other transcripts: non-coding transcript variant (3).
Genome position (GRCh38, 1-based): chr10:86,917,297, C>T. VCF-style: chr10-86917297-C-T. GRCh37 (hg19) VCF-style: chr10-88677054-C-T.
Other names: c.839C>T, p.Thr280Ile (NM_001406574.1, NM_001406575.1, NM_001406576.1 and 19 more transcripts); c.833C>T, p.Thr278Ile (NM_001406583.1); c.914C>T, p.Thr305Ile (NM_001406559.1); c.887C>T, p.Thr296Ile (NM_001406560.1); c.755C>T, p.Thr252Ile (NM_001406584.1, NM_001406585.1, NM_001406586.1 and 2 more transcripts); c.497C>T, p.Thr166Ile (NM_001406589.1); short protein forms T166I, T280I, T305I, T278I, T296I, T252I.
Identifiers: ClinVar variation 3992032 (VCV003992032.1).

ClinVar aggregate classification (germline): Uncertain significance (1 of 4 stars; one submission).

Conditions:
Hereditary cancer-predisposing syndrome. Also called: Tumor predisposition; Hereditary neoplastic syndrome; Neoplastic Syndromes, Hereditary; Hereditary Cancer Syndrome. Identifiers: Orphanet 140162, MedGen C0027672, MeSH D009386, MONDO:0015356.

Submission:

Ambry Genetics
Classification: Uncertain significance for Hereditary cancer-predisposing syndrome. Last evaluated: 2025-05-24. Review status: criteria provided, single submitter. Criteria: Ambry Variant Classification Scheme 2023. Collection method: clinical testing. Allele origin: germline.
Comment: The p.T280I variant (also known as c.839C>T), located in coding exon 7 of the BMPR1A gene, results from a C to T substitution at nucleotide position 839. The threonine at codon 280 is replaced by isoleucine, an amino acid with similar properties. This amino acid position is conserved. In addition, this alteration is predicted to be deleterious by in silico analysis. Based on the available evidence, the clinical significance of this variant remains unclear.